The following is an entry in ClinVar:

ClinVar aggregate classification (germline): Conflicting classifications of pathogenicity. Review status: criteria provided, conflicting classifications (1 of 4 stars). 4 submissions from 4 submitters: Likely pathogenic (2); Uncertain significance (2). Last evaluated 2026-06-26.

Conditions:
Autosomal recessive limb-girdle muscular dystrophy type 2J (LGMDR10). Also called: Limb-girdle muscular dystrophy, type 2J; MUSCULAR DYSTROPHY, LIMB-GIRDLE, AUTOSOMAL RECESSIVE 10. Identifiers: Orphanet 140922, MedGen C1837342, MONDO:0012127, OMIM 608807.
Dilated cardiomyopathy 1G (CMD1G). Identifiers: Orphanet 154, MedGen C1858763, MONDO:0011400, OMIM 604145.
Autosomal recessive titinopathy. Identifiers: MedGen CN315649, MONDO:0100493.

Submissions (4):

Clinical Genetics Laboratory, Skane University Hospital Lund
Classification: Likely pathogenic for Autosomal recessive titinopathy. Last evaluated: 2026-06-26. Review status: criteria provided, single submitter. Criteria: ACMG Guidelines, 2015. Collection method: clinical testing. Allele origin: germline. Affected: yes.
Comment: ACMG criteria used: PVS1_Moderate, PM2, PM3

Labcorp Genetics (formerly Invitae), Labcorp
Classification: Likely pathogenic for Dilated cardiomyopathy 1G; Autosomal recessive limb-girdle muscular dystrophy type 2J. Last evaluated: 2025-10-02. Review status: criteria provided, single submitter. Criteria: Invitae Variant Classification Sherloc (09022015). Collection method: clinical testing. Allele origin: germline.
Comment: This sequence change creates a premature translational stop signal (p.Glu11905Asnfs*65) in the TTN gene. While this is not anticipated to result in nonsense mediated decay, it is expected to create a truncated TTN protein. This variant is present in population databases (rs758922909, gnomAD 0.01%). This variant has not been reported in the literature in individuals affected with TTN-related conditions. This variant is also known as c.35713+1del. ClinVar contains an entry for this variant (Variation ID: 2418726). Algorithms developed to predict the effect of sequence changes on RNA splicing suggest that this variant may disrupt the consensus splice site. This variant is located in the I band of TTN (PMID: 25589632). Truncating variants in this region have been reported in individuals affected with autosomal recessive centronuclear myopathy (PMID: 23975875, internal data). Truncating variants in this region have also been identified in individuals affected with autosomal dominant dilated cardiomyopathy and/or cardio-related conditions (PMID: 27869827, 32964742, internal data). In summary, the currently available evidence indicates that the variant is pathogenic, but additional data are needed to prove that conclusively. Therefore, this variant has been classified as Likely Pathogenic.

ARUP Laboratories, Molecular Genetics and Genomics, ARUP Laboratories
Classification: Uncertain significance. Last evaluated: 2025-03-27. Review status: criteria provided, single submitter. Criteria: ARUP Molecular Germline Variant Investigation Process 2024. Collection method: clinical testing. Allele origin: germline.
Comment: The TTN c.35713+1del; p.Glu11905AsnfsTer65 variant (rs758922909, ClinVar Variation ID: 2418726) is reported in the literature in one individual affected with limb girdle muscular dystrophy who also carried a TTN nonsense variant, however variant phase was not confirmed (Juntas 2021). In addition, this individual had affected siblings who were not genetically tested (Juntas 2021). This variant is found in the general population with an overall allele frequency of 0.003% (7/222,728 alleles) in the Genome Aggregation Database (v2.1.1). This variant disrupts the canonical splice donor site of intron 161, which is likely to negatively impact gene function. However, given the lack of clinical and functional data, the significance of this variant is uncertain at this time. References: Begay RL et al. Role of Titin Missense Variants in Dilated Cardiomyopathy. J Am Heart Assoc. 2015 Nov 13;4(11). PMID: 26567375. Herman DS et al. Truncations of titin causing dilated cardiomyopathy. N Engl J Med. 2012 Feb 16;366(7):619-28. PMID: 22335739. Juntas Morales R et al. An Integrated Clinical-Biological Approach to Identify Interindividual Variability and Atypical Phenotype-Genotype Correlations in Myopathies: Experience on A Cohort of 156 Families. Genes (Basel). 2021 Jul 31;12(8):1199. PMID: 34440373. Linke WA and Hamdani N. Gigantic business: titin properties and function through thick and thin. Circ Res 2014; 114(6): 1052-1068. PMID: 24625729.

GeneDx
Classification: Uncertain significance. Last evaluated: 2023-03-23. Review status: criteria provided, single submitter. Criteria: GeneDx Variant Classification Process June 2021. Collection method: clinical testing. Allele origin: germline. Affected: yes.
Comment: Canonical splice site variant expected to result in aberrant splicing, although in the absence of functional evidence the actual effect of this sequence change is unknown.; Located in a region of TTN in which the majority of pathogenic variants have been reported in association with autosomal recessive titinopathies (Fernandez-Marmiesse et al., 2017; Chervinsky et al., 2018; Bryen, et al., 2020; Savarese et al., 2020); This variant is associated with the following publications: (PMID: 34440373, 28040389, 29575618, 31660661, 32778822)

Literature cited by the submitters: PubMed 25589632 (cited by Labcorp Genetics (formerly Invitae), Labcorp); PubMed 23975875 (cited by Labcorp Genetics (formerly Invitae), Labcorp); PubMed 27869827 (cited by Labcorp Genetics (formerly Invitae), Labcorp); PubMed 32964742 (cited by Labcorp Genetics (formerly Invitae), Labcorp).

NM_001267550.2(TTN):c.35713+1del

Gene: TTN (titin; minus strand). Cytogenetic location: 2q31.2.
Variant type: Deletion.
Coding change: c.35713+1del on transcript NM_001267550.2 (MANE Select); the canonical splice donor site of the intron after coding-DNA position 35713, one base deleted (G; older notation c.35713+1delG).
Molecular consequence: splice donor variant. On other transcripts: intron variant (5).
Genome position (GRCh38, 1-based): chr2:178,667,441, C deleted on the plus strand (G on the coding strand, the reverse complement: TTN is on the minus strand); the first of 2 consecutive C bases (chr2:178,667,441-178,667,442); deleting either gives the same sequence. VCF-style (leftmost placement, unchanged base first): chr2-178667440-AC-A. GRCh37 (hg19) VCF-style: chr2-179532167-AC-A.
Other names: c.13283-25124del (NM_003319.4); c.13859-25124del (NM_133437.4); c.13658-25124del (NM_133432.3); c.31483+2777del (NM_133378.4); c.34264+2777del (NM_001256850.1).
Identifiers: ClinVar variation 2418726 (VCV002418726.11), dbSNP rs758922909, ClinGen allele CA1997754.